The following is an entry in ClinVar:

NM_002968.3(SALL1):c.3725C>A (p.Ser1242Tyr)

Gene: SALL1 (spalt like transcription factor 1; minus strand). Cytogenetic location: 16q12.1.
Variant type: single nucleotide variant.
Coding change: c.3725C>A on transcript NM_002968.3 (MANE Select); coding-DNA position 3725, C replaced by A.
Protein change: p.Ser1242Tyr; replaces serine 1242 with tyrosine.
Molecular consequence: missense variant.
Genome position (GRCh38, 1-based): chr16:51,137,362, G>T on the plus strand (C>A on the coding strand, the complement: SALL1 is on the minus strand). VCF-style: chr16-51137362-G-T. GRCh37 (hg19) VCF-style: chr16-51171273-G-T.
Other names: c.3434C>A, p.Ser1145Tyr (NM_001127892.2); short protein forms S1145Y, S1242Y.
Identifiers: ClinVar variation 3349300 (VCV003349300.1).

ClinVar aggregate classification (germline): Uncertain significance (0 of 4 stars; one submission).

Conditions:
SALL1-related disorder. Also called: SALL1-related condition.

Submission:

PreventionGenetics, part of Exact Sciences
Classification: Uncertain significance for SALL1-related condition. Last evaluated: 2024-03-08. Review status: no assertion criteria provided. Collection method: clinical testing. Allele origin: germline.
Comment: The SALL1 c.3725C>A variant is predicted to result in the amino acid substitution p.Ser1242Tyr. To our knowledge, this variant has not been reported in the literature or in a large population database, indicating this variant is rare. At this time, the clinical significance of this variant is uncertain due to the absence of conclusive functional and genetic evidence.